The following is an entry in ClinVar:

NM_001034116.2(EIF2B4):c.508C>T (p.Arg170Ter)

Gene: EIF2B4 (eukaryotic translation initiation factor 2B subunit delta; minus strand). Cytogenetic location: 2p23.3.
Variant type: single nucleotide variant.
Coding change: c.508C>T on transcript NM_001034116.2 (MANE Select); coding-DNA position 508, C replaced by T.
Protein change: p.Arg170Ter; replaces arginine 170 with a stop codon.
Molecular consequence: nonsense. On other transcripts: 5 prime UTR variant (2).
Genome position (GRCh38, 1-based): chr2:27,368,454, G>A on the plus strand (C>T on the coding strand, the complement: EIF2B4 is on the minus strand). VCF-style: chr2-27368454-G-A. GRCh37 (hg19) VCF-style: chr2-27591321-G-A.
Other names: c.571C>T, p.Arg191Ter (NM_001318965.2); c.463C>T, p.Arg155Ter (NM_001318966.2); c.415C>T, p.Arg139Ter (NM_001318967.2); c.-78C>T (NM_001318968.2); c.-85C>T (NM_001318969.2); c.505C>T, p.Arg169Ter (NM_015636.4); c.568C>T, p.Arg190Ter (NM_172195.4); short protein forms R190*, R155*, R169*, R139*, R170*, R191*.
Identifiers: ClinVar variation 2785772 (VCV002785772.3), dbSNP rs1572607363, ClinGen allele CA346201120.

ClinVar aggregate classification (germline): Pathogenic (1 of 4 stars; one submission).

Allele frequency attached by ClinVar (database versions not stated): TOPMed below 0.00001.
gnomAD v4.1: 2 of 1,613,892 alleles (0.00012%); highest among the groups gnomAD compares: Non-Finnish European, 0.00017%; no homozygotes.

Submission:

Labcorp Genetics (formerly Invitae), Labcorp
Classification: Pathogenic. Last evaluated: 2024-02-14. Review status: criteria provided, single submitter. Criteria: Invitae Variant Classification Sherloc (09022015). Collection method: clinical testing. Allele origin: germline.
Comment: This sequence change creates a premature translational stop signal (p.Arg169*) in the EIF2B4 gene. It is expected to result in an absent or disrupted protein product. Loss-of-function variants in EIF2B4 are known to be pathogenic (PMID: 11835386, 15776425, 16807905). This variant is not present in population databases (gnomAD no frequency). This variant has not been reported in the literature in individuals affected with EIF2B4-related conditions. For these reasons, this variant has been classified as Pathogenic.

Literature cited by the submitters: PubMed 11835386; PubMed 15776425; PubMed 16807905.